The following is an entry in ClinVar:

ClinVar aggregate classification (germline): Uncertain significance (1 of 4 stars; one submission).

Conditions:
Arrhythmogenic right ventricular dysplasia 9 (ARVD9). Also called: Arrhythmogenic Right Ventricular Dysplasia/Cardiomyopathy 9; ARRHYTHMOGENIC RIGHT VENTRICULAR DYSPLASIA, FAMILIAL, 9. Identifiers: MedGen C1836906, MONDO:0012180, OMIM 609040.

gnomAD v4.1: 2 of 1,561,480 alleles (0.00013%); highest among the groups gnomAD compares: East Asian, 0.0047%; no homozygotes.

Submission:

Labcorp Genetics (formerly Invitae), Labcorp
Classification: Uncertain significance for Arrhythmogenic right ventricular dysplasia 9. Last evaluated: 2025-12-02. Review status: criteria provided, single submitter. Criteria: Invitae Variant Classification Sherloc (09022015). Collection method: clinical testing. Allele origin: germline.
Comment: This sequence change replaces glutamine, which is neutral and polar, with glutamic acid, which is acidic and polar, at codon 24 of the PKP2 protein (p.Gln24Glu). The frequency data for this variant in the population databases is considered unreliable, as metrics indicate poor data quality at this position in the gnomAD database. This variant has not been reported in the literature in individuals affected with PKP2-related conditions. An algorithm developed to predict the effect of missense changes on protein structure and function (PolyPhen-2) suggests that this variant is likely to be tolerated. In summary, the available evidence is currently insufficient to determine the role of this variant in disease. Therefore, it has been classified as a Variant of Uncertain Significance.

NM_001005242.3(PKP2):c.70C>G (p.Gln24Glu)

Gene: PKP2 (plakophilin 2; minus strand). Cytogenetic location: 12p11.21.
Variant type: single nucleotide variant.
Coding change: c.70C>G on transcript NM_001005242.3 (MANE Select); coding-DNA position 70, C replaced by G.
Protein change: p.Gln24Glu; replaces glutamine 24 with glutamic acid.
Molecular consequence: missense variant. On other transcripts: 5 prime UTR variant (4).
Genome position (GRCh38, 1-based): chr12:32,896,662, G>C on the plus strand (C>G on the coding strand, the complement: PKP2 is on the minus strand). VCF-style: chr12-32896662-G-C. GRCh37 (hg19) VCF-style: chr12-33049596-G-C.
Other names: c.70C>G, p.Gln24Glu (NM_001407155.1, NM_001407156.1, NM_001407157.1 and 2 more transcripts); c.-757C>G (NM_001407158.1, NM_001407162.1); c.-521C>G (NM_001407159.1, NM_001407160.1); short protein forms Q24E.
Identifiers: ClinVar variation 4753965 (VCV004753965.1).
Genomic context (GRCh38, chr12:32,896,662, plus strand): 5'-TGCTCCCCGCCAGCTTCAGCTTGGCCTCGGAGGGCAGCGCCAGGCTGGAGCTGTCCAGTT[G>C]TCCCAGGATCTGCTGGCCCAGGACGGTCCGGATGTAGCCGTACTCAGCTGGGGCGCCGGG-3'
Protein context (NP_001005242.2, residues 14-34): RTVLGQQILG[Gln24Glu]LDSSSLALPS